The following is an entry in ClinVar:

NC_000012.12:g.(?_132634176)_(132687315_?)del

Gene: POLE (DNA polymerase epsilon, catalytic subunit; minus strand). Cytogenetic location: 12q24.33.
Variant type: Deletion.
Identifiers: ClinVar variation 833134 (VCV000833134.8).

ClinVar aggregate classification (germline): Pathogenic (1 of 4 stars; one submission).

Submission:

Labcorp Genetics (formerly Invitae), Labcorp
Classification: Pathogenic. Last evaluated: 2022-05-12. Review status: criteria provided, single submitter. Criteria: Invitae Variant Classification Sherloc (09022015). Collection method: clinical testing. Allele origin: germline.
Comment: This variant is a gross deletion of the genomic region encompassing exon(s) 1-43 of the POLE gene, which includes the initiator codon. This deletion extends beyond the assayed region for this gene and therefore may encompass additional genes. It is expected to result in an absent or disrupted protein product. Loss-of-function variants in POLE are known to be pathogenic (PMID: 23230001, 25948378, 30503519). This variant has not been reported in the literature in individuals affected with POLE-related conditions. For these reasons, this variant has been classified as Pathogenic.

Literature cited by the submitters: PubMed 23230001; PubMed 25948378; PubMed 30503519.